The following is an entry in ClinVar:

ClinVar aggregate classification (germline): Uncertain significance (1 of 4 stars; one submission).

Conditions:
Hereditary cancer-predisposing syndrome. Also called: Neoplastic Syndromes, Hereditary; Hereditary Cancer Syndrome; Tumor predisposition; Hereditary neoplastic syndrome. Identifiers: Orphanet 140162, MedGen C0027672, MeSH D009386, MONDO:0015356.

Allele frequency attached by ClinVar (database versions not stated): gnomAD exomes below 0.00001; ExAC 0.00001; gnomAD 0.00001.
gnomAD v4.1: 2 of 1,613,220 alleles (0.00012%); highest among the groups gnomAD compares: East Asian, 0.0022%; no homozygotes.

Submission:

Ambry Genetics
Classification: Uncertain significance for Hereditary cancer-predisposing syndrome. Last evaluated: 2023-02-17. Review status: criteria provided, single submitter. Criteria: Ambry Variant Classification Scheme 2023. Collection method: clinical testing. Allele origin: germline.
Comment: The p.G2141E variant (also known as c.6422G>A), located in coding exon 15 of the APC gene, results from a G to A substitution at nucleotide position 6422. The glycine at codon 2141 is replaced by glutamic acid, an amino acid with similar properties. This amino acid position is conserved. In addition, in silico predictors for this gene do not accurately predict pathogenicity. Since supporting evidence is limited at this time, the clinical significance of this alteration remains unclear.

NM_000038.6(APC):c.6422G>A (p.Gly2141Glu)

Gene: APC (APC regulator of Wnt signaling pathway; plus strand). Cytogenetic location: 5q22.2.
Variant type: single nucleotide variant.
Coding change: c.6422G>A on transcript NM_000038.6 (MANE Select); coding-DNA position 6422, G replaced by A.
Protein change: p.Gly2141Glu; replaces glycine 2141 with glutamic acid.
Molecular consequence: missense variant. On other transcripts: non-coding transcript variant (2).
Genome position (GRCh38, 1-based): chr5:112,842,016, G>A. VCF-style: chr5-112842016-G-A. GRCh37 (hg19) VCF-style: chr5-112177713-G-A.
Other names: c.6422G>A, p.Gly2141Glu (NM_001127510.3, NM_001354895.2, NM_001407450.1); c.6368G>A, p.Gly2123Glu (NM_001127511.3); c.6476G>A, p.Gly2159Glu (NM_001354896.2, NM_001407447.1, NM_001407448.1 and 1 more transcripts); c.6452G>A, p.Gly2151Glu (NM_001354897.2); c.6347G>A, p.Gly2116Glu (NM_001354898.2); c.6338G>A, p.Gly2113Glu (NM_001354899.2); c.6299G>A, p.Gly2100Glu (NM_001354900.2); c.6245G>A, p.Gly2082Glu (NM_001354901.2, NM_001407453.1); and 11 more; short protein forms G1858E, G2050E, G2116E, G2141E, G1981E, G2058E, G2100E, G2113E.
Identifiers: ClinVar variation 2447193 (VCV002447193.2), dbSNP rs755626455, ClinGen allele CA044594.
Genomic context (GRCh38, chr5:112,842,016, plus strand): 5'-CTGCATGTTTATCTAGACAAGCTTCGTCTGATTCAGATTCCATCCTTTCCCTGAAATCAG[G>A]AATCTCTCTGGGATCACCATTTCATCTTACACCTGATCAAGAAGAAAAACCCTTTACAAG-3'
Protein context (NP_000029.2, residues 2131-2151): DSDSILSLKS[Gly2141Glu]ISLGSPFHLT